The following is an entry in ClinVar:

NM_020911.2(PLXNA4):c.2624A>G (p.Lys875Arg)

Gene: PLXNA4 (plexin A4; minus strand). Cytogenetic location: 7q32.3.
Variant type: single nucleotide variant.
Coding change: c.2624A>G on transcript NM_020911.2 (MANE Select); coding-DNA position 2624, A replaced by G.
Protein change: p.Lys875Arg; replaces lysine 875 with arginine.
Molecular consequence: missense variant.
Genome position (GRCh38, 1-based): chr7:132,198,599, T>C on the plus strand (A>G on the coding strand, the complement: PLXNA4 is on the minus strand). VCF-style: chr7-132198599-T-C. GRCh37 (hg19) VCF-style: chr7-131883358-T-C.
Other names: c.2624A>G, p.Lys875Arg (NM_001393897.1); short protein forms K875R.
Identifiers: ClinVar variation 2636764 (VCV002636764.1), dbSNP rs1449931973, ClinGen allele CA369305157.

ClinVar aggregate classification (germline): Uncertain significance (1 of 4 stars; one submission).

Conditions:
PLXNA4-related disorder. Also called: PLXNA4-related condition.

Allele frequency attached by ClinVar (database versions not stated): TOPMed 0.00001.

Submission:

PreventionGenetics, part of Exact Sciences
Classification: Uncertain significance for PLXNA4-related condition. Last evaluated: 2023-04-14. Review status: criteria provided, single submitter. Criteria: ACMG Guidelines, 2015. Collection method: clinical testing. Allele origin: germline.
Comment: The PLXNA4 c.2624A>G variant is predicted to result in the amino acid substitution p.Lys875Arg. To our knowledge, this variant has not been reported in the literature or in a large population database, indicating this variant is rare. At this time, the clinical significance of this variant is uncertain due to the absence of conclusive functional and genetic evidence.